The following is an entry in ClinVar:

ClinVar aggregate classification (germline): Uncertain significance (1 of 4 stars; one submission).

Submission:

Labcorp Genetics (formerly Invitae), Labcorp
Classification: Uncertain significance. Last evaluated: 2024-11-27. Review status: criteria provided, single submitter. Criteria: Invitae Variant Classification Sherloc (09022015). Collection method: clinical testing. Allele origin: germline.
Comment: This sequence change replaces glutamic acid, which is acidic and polar, with glutamine, which is neutral and polar, at codon 274 of the RPSA protein (p.Glu274Gln). This variant is not present in population databases (gnomAD no frequency). This variant has not been reported in the literature in individuals affected with RPSA-related conditions. An algorithm developed to predict the effect of missense changes on protein structure and function (PolyPhen-2) suggests that this variant is likely to be tolerated. In summary, the available evidence is currently insufficient to determine the role of this variant in disease. Therefore, it has been classified as a Variant of Uncertain Significance.

NM_002295.6(RPSA):c.820G>C (p.Glu274Gln)

Gene: RPSA (ribosomal protein SA; plus strand). Cytogenetic location: 3p22.1.
Variant type: single nucleotide variant.
Coding change: c.820G>C on transcript NM_002295.6 (MANE Select); coding-DNA position 820, G replaced by C.
Protein change: p.Glu274Gln; replaces glutamic acid 274 with glutamine.
Molecular consequence: missense variant.
Genome position (GRCh38, 1-based): chr3:39,412,300, G>C. VCF-style: chr3-39412300-G-C. GRCh37 (hg19) VCF-style: chr3-39453791-G-C.
Other names: c.835G>C, p.Glu279Gln (NM_001304288.2); short protein forms E274Q, E279Q.
Identifiers: ClinVar variation 3726184 (VCV003726184.2).
Genomic context (GRCh38, chr3:39,412,300, plus strand): 5'-GAGCTGATGGCTTTTTTTGGTATTCTCTTAACAGAAGACTGGAGCGCTCAGCCTGCCACG[G>C]AAGACTGGTCTGCAGCTCCCACTGCTCAGGCCACTGAATGGGTAGGAGCAACCACTGACT-3'
Protein context (NP_002286.2, residues 264-284): TEDWSAQPAT[Glu274Gln]DWSAAPTAQA